The following is an entry in ClinVar:

NM_033118.4(MYLK2):c.879-240C>T

Gene: MYLK2 (myosin light chain kinase 2; plus strand). Cytogenetic location: 20q11.21.
Variant type: single nucleotide variant.
Coding change: c.879-240C>T on transcript NM_033118.4 (MANE Select); 240 bases into the intron before coding-DNA position 879, C replaced by T.
Molecular consequence: intron variant.
Genome position (GRCh38, 1-based): chr20:31,824,019, C>T. VCF-style: chr20-31824019-C-T. GRCh37 (hg19) VCF-style: chr20-30411822-C-T.
Identifiers: ClinVar variation 677928 (VCV000677928.1), dbSNP rs6060973, ClinGen allele CA313850705.

ClinVar aggregate classification (germline): Benign (1 of 4 stars; one submission).

Allele frequency attached by ClinVar (database versions not stated): 1000 Genomes Project 0.07208; 1000 Genomes Project 30x 0.07370; gnomAD exomes 0.07524; gnomAD 0.09158 and 0.08775; TOPMed 0.09025.

Submission:

GeneDx
Classification: Benign. Last evaluated: 2018-06-19. Review status: criteria provided, single submitter. Criteria: GeneDx Variant Classification (06012015). Collection method: clinical testing. Allele origin: germline. Affected: yes.
Comment: This variant is considered likely benign or benign based on one or more of the following criteria: it is a conservative change, it occurs at a poorly conserved position in the protein, it is predicted to be benign by multiple in silico algorithms, and/or has population frequency not consistent with disease.